The following is an entry in ClinVar:

NM_020884.7(MYH7B):c.2999C>A (p.Thr1000Asn)

Gene: MYH7B (myosin heavy chain 7B; plus strand). Cytogenetic location: 20q11.22.
Variant type: single nucleotide variant.
Coding change: c.2999C>A on transcript NM_020884.7 (MANE Select); coding-DNA position 2999, C replaced by A.
Protein change: p.Thr1000Asn; replaces threonine 1000 with asparagine.
Molecular consequence: missense variant.
Genome position (GRCh38, 1-based): chr20:34,996,401, C>A. VCF-style: chr20-34996401-C-A. GRCh37 (hg19) VCF-style: chr20-33584204-C-A.
Other names: short protein forms T1000N.
Identifiers: ClinVar variation 4777038 (VCV004777038.1).

ClinVar aggregate classification (germline): Uncertain significance (1 of 4 stars; one submission).

gnomAD v4.1: 5 of 1,612,322 alleles (0.00031%); highest among the groups gnomAD compares: African/African-American, 0.0067%; no homozygotes.

Submission:

Labcorp Genetics (formerly Invitae), Labcorp
Classification: Uncertain significance. Last evaluated: 2025-08-04. Review status: criteria provided, single submitter. Criteria: Invitae Variant Classification Sherloc (09022015). Collection method: clinical testing. Allele origin: germline.
Comment: This sequence change replaces threonine, which is neutral and polar, with asparagine, which is neutral and polar, at codon 1042 of the MYH7B protein (p.Thr1042Asn). This variant is present in population databases (rs747592639, gnomAD 0.007%). This variant has not been reported in the literature in individuals affected with MYH7B-related conditions. Invitae Evidence Modeling of protein sequence and biophysical properties (such as structural, functional, and spatial information, amino acid conservation, physicochemical variation, residue mobility, and thermodynamic stability) indicates that this missense variant is not expected to disrupt MYH7B protein function with a negative predictive value of 80%. In summary, the available evidence is currently insufficient to determine the role of this variant in disease. Therefore, it has been classified as a Variant of Uncertain Significance.